The following is an entry in ClinVar:

NM_001197104.2(KMT2A):c.11768T>C (p.Ile3923Thr)

Genes: KMT2A (lysine methyltransferase 2A; plus strand), TTC36-AS1 (TTC36 and KMT2A antisense RNA 1; minus strand). Cytogenetic location: 11q23.3.
Variant type: single nucleotide variant.
Coding change: c.11768T>C on transcript NM_001197104.2 (MANE Select); coding-DNA position 11768, T replaced by C.
Protein change: p.Ile3923Thr; replaces isoleucine 3923 with threonine.
Molecular consequence: missense variant.
Genome position (GRCh38, 1-based): chr11:118,522,021, T>C. VCF-style: chr11-118522021-T-C. GRCh37 (hg19) VCF-style: chr11-118392736-T-C.
Other names: c.11858T>C, p.Ile3953Thr (NM_001412597.1); c.11759T>C, p.Ile3920Thr (NM_005933.4); short protein forms I3920T, I3953T, I3923T.
Identifiers: ClinVar variation 2743380 (VCV002743380.3), dbSNP rs2497134023, ClinGen allele CA382836271.

ClinVar aggregate classification (germline): Uncertain significance (1 of 4 stars; one submission).

Submission:

Labcorp Genetics (formerly Invitae), Labcorp
Classification: Uncertain significance. Last evaluated: 2025-03-18. Review status: criteria provided, single submitter. Criteria: Invitae Variant Classification Sherloc (09022015). Collection method: clinical testing. Allele origin: germline.
Comment: This sequence change replaces isoleucine, which is neutral and non-polar, with threonine, which is neutral and polar, at codon 3923 of the KMT2A protein (p.Ile3923Thr). This variant is not present in population databases (gnomAD no frequency). This variant has not been reported in the literature in individuals affected with KMT2A-related conditions. ClinVar contains an entry for this variant (Variation ID: 2743380). Invitae Evidence Modeling of protein sequence and biophysical properties (such as structural, functional, and spatial information, amino acid conservation, physicochemical variation, residue mobility, and thermodynamic stability) indicates that this missense variant is not expected to disrupt KMT2A protein function with a negative predictive value of 95%. In summary, the available evidence is currently insufficient to determine the role of this variant in disease. Therefore, it has been classified as a Variant of Uncertain Significance.